The following is an entry in ClinVar:

NM_206933.4(USH2A):c.7479_7480dup (p.Ser2494fs)

Gene: USH2A (usherin; minus strand). Cytogenetic location: 1q41.
Variant type: Duplication.
Coding change: c.7479_7480dup on transcript NM_206933.4 (MANE Select); coding-DNA positions 7479 to 7480, 2 bases duplicated (AA; older notation c.7479_7480dupAA).
Protein change: p.Ser2494fs; shifts the reading frame from serine 2494.
Molecular consequence: frameshift variant.
Genome position (GRCh38, 1-based): chr1:215,900,189-215,900,190, TT duplicated on the plus strand (AA on the coding strand, the reverse complement: USH2A is on the minus strand). VCF-style (leftmost placement, unchanged base first): chr1-215900188-C-CTT. GRCh37 (hg19) VCF-style: chr1-216073530-C-CTT.
Other names: short protein forms S2494fs.
Identifiers: ClinVar variation 1878372 (VCV001878372.1), dbSNP rs2464782700, ClinGen allele CA2580062177.

ClinVar aggregate classification (germline): Likely pathogenic (1 of 4 stars; one submission).

Conditions:
Usher syndrome. Also called: Usher Syndromes; Usher's syndrome. Identifiers: Orphanet 886, MedGen CN469326, MeSH D052245, MONDO:0019501. Disease mechanism: loss of function.

Submission:

Women's Health and Genetics/Laboratory Corporation of America, LabCorp
Classification: Likely pathogenic for Retinitis pigmentosa-deafness syndrome. Last evaluated: 2022-12-22. Review status: criteria provided, single submitter. Criteria: LabCorp Variant Classification Summary - May 2015. Collection method: clinical testing. Allele origin: germline.
Comment: Variant summary: USH2A c.7479_7480dupAA (p.Ser2494LysfsX5) results in a premature termination codon, predicted to cause a truncation of the encoded protein or absence of the protein due to nonsense mediated decay, which are commonly known mechanisms for disease. Truncations downstream of this position have been classified as pathogenic by our laboratory. The variant was absent in 250668 control chromosomes (gnomAD). To our knowledge, no occurrence of c.7479_7480dupAA in individuals affected with Usher Syndrome and no experimental evidence demonstrating its impact on protein function have been reported. No clinical diagnostic laboratories have submitted clinical-significance assessments for this variant to ClinVar after 2014. Based on the evidence outlined above, the variant was classified as likely pathogenic.